The following is an entry in ClinVar:

NM_000338.3(SLC12A1):c.2953A>G (p.Lys985Glu)

Gene: SLC12A1 (solute carrier family 12 member 1; plus strand). Cytogenetic location: 15q21.1.
Variant type: single nucleotide variant.
Coding change: c.2953A>G on transcript NM_000338.3 (MANE Select); coding-DNA position 2953, A replaced by G.
Protein change: p.Lys985Glu; replaces lysine 985 with glutamic acid.
Molecular consequence: missense variant.
Genome position (GRCh38, 1-based): chr15:48,291,857, A>G. VCF-style: chr15-48291857-A-G. GRCh37 (hg19) VCF-style: chr15-48584054-A-G.
Other names: c.2953A>G, p.Lys985Glu (NM_001184832.2, NM_001384136.1); short protein forms K985E.
Identifiers: ClinVar variation 1482993 (VCV001482993.6), dbSNP rs1254425688, ClinGen allele CA392319839.

ClinVar aggregate classification (germline): Uncertain significance. Review status: criteria provided, multiple submitters, no conflicts (2 of 4 stars). 2 submissions from 2 submitters: Uncertain significance (2). Last evaluated 2021-08-31.

Conditions:
Bartter disease type 1. Also called: Bartter syndrome, type 1, antenatal; Bartter Syndrome type 1; HYPERPROSTAGLANDIN E SYNDROME 1; HYPOKALEMIC ALKALOSIS WITH HYPERCALCIURIA 1, ANTENATAL. Identifiers: Orphanet 112, Orphanet 620217, MedGen C1866495, MONDO:0100344, OMIM 601678, MONDO:0011127.

Allele frequency attached by ClinVar (database versions not stated): gnomAD exomes below 0.00001; TOPMed below 0.00001.

Submissions (2):

Labcorp Genetics (formerly Invitae), Labcorp
Classification: Uncertain significance. Last evaluated: 2021-08-31. Review status: criteria provided, single submitter. Criteria: Invitae Variant Classification Sherloc (09022015). Collection method: clinical testing. Allele origin: germline.
Comment: This sequence change replaces lysine with glutamic acid at codon 985 of the SLC12A1 protein (p.Lys985Glu). The lysine residue is moderately conserved and there is a small physicochemical difference between lysine and glutamic acid. This variant is not present in population databases (ExAC no frequency). This variant has not been reported in the literature in individuals affected with SLC12A1-related conditions. Algorithms developed to predict the effect of missense changes on protein structure and function (SIFT, PolyPhen-2, Align-GVGD) all suggest that this variant is likely to be tolerated. In summary, the available evidence is currently insufficient to determine the role of this variant in disease. Therefore, it has been classified as a Variant of Uncertain Significance.

Fulgent Genetics
Classification: Uncertain significance for Bartter disease type 1. Last evaluated: 2021-08-25. Review status: criteria provided, single submitter. Criteria: ACMG Guidelines, 2015. Collection method: clinical testing. Allele origin: unknown.